The following is an entry in ClinVar:

NM_000070.3(CAPN3):c.389G>A (p.Trp130Ter)

Genes: CAPN3 (calpain 3; plus strand), LOC126862115 (BRD4-independent group 4 enhancer GRCh37_chr15:42677734-42678933; plus strand). Cytogenetic location: 15q15.1.
Variant type: single nucleotide variant.
Coding change: c.389G>A on transcript NM_000070.3 (MANE Select); coding-DNA position 389, G replaced by A.
Protein change: p.Trp130Ter; replaces tryptophan 130 with a stop codon.
Molecular consequence: nonsense.
Genome position (GRCh38, 1-based): chr15:42,386,176, G>A. VCF-style: chr15-42386176-G-A. GRCh37 (hg19) VCF-style: chr15-42678374-G-A.
Other names: c.389G>A, p.Trp130Ter (NM_024344.2, NM_173087.2); short protein forms W130*.
Identifiers: ClinVar variation 1068828 (VCV001068828.9), dbSNP rs2141160443, ClinGen allele CA391997486.

ClinVar aggregate classification (germline): Pathogenic (1 of 4 stars; one submission).

Conditions:
Autosomal recessive limb-girdle muscular dystrophy type 2A (LGMDR1). Also called: LEYDEN-MOEBIUS MUSCULAR DYSTROPHY; MUSCULAR DYSTROPHY, PELVOFEMORAL; Limb-girdle muscular dystrophy, type 2A; Calpainopathy; Muscular dystrophy, limb-girdle, type 2A, Amish. Identifiers: Orphanet 267, MedGen C1869123, MONDO:0009675, OMIM 253600. Disease mechanism: loss of function.

Submission:

Labcorp Genetics (formerly Invitae), Labcorp
Classification: Pathogenic for Autosomal recessive limb-girdle muscular dystrophy type 2A. Last evaluated: 2020-05-28. Review status: criteria provided, single submitter. Criteria: Invitae Variant Classification Sherloc (09022015). Collection method: clinical testing. Allele origin: germline.
Comment: This sequence change creates a premature translational stop signal (p.Trp130*) in the CAPN3 gene. It is expected to result in an absent or disrupted protein product. This variant is not present in population databases (ExAC no frequency). This nonsense change has been observed in individual(s) with clinical suspicion of limb-girdle muscular dystrophy (PMID: 31268554). Loss-of-function variants in CAPN3 are known to be pathogenic (PMID: 10330340, 15689361). For these reasons, this variant has been classified as Pathogenic.

Literature cited by the submitters: PubMed 31268554; PubMed 10330340; PubMed 15689361.